The following is an entry in ClinVar:

ClinVar aggregate classification (germline): Likely pathogenic (1 of 4 stars; one submission).

Submission:

Labcorp Genetics (formerly Invitae), Labcorp
Classification: Likely pathogenic. Last evaluated: 2024-09-16. Review status: criteria provided, single submitter. Criteria: Invitae Variant Classification Sherloc (09022015). Collection method: clinical testing. Allele origin: germline.
Comment: This sequence change replaces alanine, which is neutral and non-polar, with threonine, which is neutral and polar, at codon 40 of the ALPL protein (p.Ala40Thr). This variant is not present in population databases (gnomAD no frequency). This missense change has been observed in individual(s) with hypophosphatasia (internal data). ClinVar contains an entry for this variant (Variation ID: 1469393). Invitae Evidence Modeling of protein sequence and biophysical properties (such as structural, functional, and spatial information, amino acid conservation, physicochemical variation, residue mobility, and thermodynamic stability) indicates that this missense variant is expected to disrupt ALPL protein function with a positive predictive value of 95%. This variant disrupts the p.Ala40 amino acid residue in ALPL. Other variant(s) that disrupt this residue have been determined to be pathogenic (PMID: 11438998, 15660230, 22397652, 24276437). This suggests that this residue is clinically significant, and that variants that disrupt this residue are likely to be disease-causing. In summary, the currently available evidence indicates that the variant is pathogenic, but additional data are needed to prove that conclusively. Therefore, this variant has been classified as Likely Pathogenic.

Literature cited by the submitters: PubMed 11438998; PubMed 15660230; PubMed 22397652; PubMed 24276437.

NM_000478.6(ALPL):c.118G>A (p.Ala40Thr)

Gene: ALPL (alkaline phosphatase, biomineralization associated; plus strand). Cytogenetic location: 1p36.12.
Variant type: single nucleotide variant.
Coding change: c.118G>A on transcript NM_000478.6 (MANE Select); coding-DNA position 118, G replaced by A.
Protein change: p.Ala40Thr; replaces alanine 40 with threonine.
Molecular consequence: missense variant. On other transcripts: 5 prime UTR variant (1), initiator codon variant (1).
Genome position (GRCh38, 1-based): chr1:21,560,682, G>A. VCF-style: chr1-21560682-G-A. GRCh37 (hg19) VCF-style: chr1-21887175-G-A.
Other names: c.-48G>A (NM_001127501.4); c.3G>A, p.Met1Ile (NM_001177520.3); c.118G>A, p.Ala40Thr (NM_001369803.2, NM_001369804.2, NM_001369805.2); short protein forms A40T, M1I.
Identifiers: ClinVar variation 1469393 (VCV001469393.8), dbSNP rs1455153945, ClinGen allele CA338877546.
Genomic context (GRCh38, chr1:21,560,682, plus strand): 5'-TTAGAGAAAGAGAAAGACCCCAAGTACTGGCGAGACCAAGCGCAAGAGACACTGAAATAT[G>A]CCCTGGAGCTTCAGAAGCTCAACACCAACGTGGCTAAGAATGTCATCATGTTCCTGGGAG-3'
Protein context (NP_000469.3, residues 30-50): RDQAQETLKY[Ala40Thr]LELQKLNTNV